The following is an entry in ClinVar:

ClinVar aggregate classification (germline): Uncertain significance (1 of 4 stars; one submission).

Conditions:
Hereditary cancer-predisposing syndrome. Also called: Neoplastic Syndromes, Hereditary; Tumor predisposition; Hereditary neoplastic syndrome; Hereditary Cancer Syndrome. Identifiers: Orphanet 140162, MedGen C0027672, MeSH D009386, MONDO:0015356.

Submission:

Ambry Genetics
Classification: Uncertain significance for Hereditary cancer-predisposing syndrome. Last evaluated: 2026-07-06. Review status: criteria provided, single submitter. Criteria: Ambry Variant Classification Scheme 2023. Collection method: clinical testing. Allele origin: germline.
Comment: The p.L483Q variant (also known as c.1448T>A), located in coding exon 12 of the SUFU gene, results from a T to A substitution at nucleotide position 1448. The leucine at codon 483 is replaced by glutamine, an amino acid with dissimilar properties. This amino acid position is conserved. In addition, the in silico prediction for this alteration is inconclusive. Based on the available evidence, the clinical significance of this variant remains unclear.

NM_016169.4(SUFU):c.1448T>A (p.Leu483Gln)

Gene: SUFU (SUFU negative regulator of hedgehog signaling; plus strand). Cytogenetic location: 10q24.32.
Variant type: single nucleotide variant.
Coding change: c.1448T>A on transcript NM_016169.4 (MANE Select); coding-DNA position 1448, T replaced by A.
Protein change: p.Leu483Gln; replaces leucine 483 with glutamine.
Molecular consequence: missense variant.
Genome position (GRCh38, 1-based): chr10:102,630,148, T>A. VCF-style: chr10-102630148-T-A. GRCh37 (hg19) VCF-style: chr10-104389905-T-A.
Other names: short protein forms L483Q.
Identifiers: ClinVar variation 5030376 (VCV005030376.1).